The following is an entry in ClinVar:

NM_001365276.2(TNXB):c.9224C>T (p.Ser3075Phe)

Gene: TNXB (tenascin XB; minus strand). Cytogenetic location: 6p21.33.
Variant type: single nucleotide variant.
Coding change: c.9224C>T on transcript NM_001365276.2 (MANE Select); coding-DNA position 9224, C replaced by T.
Protein change: p.Ser3075Phe; replaces serine 3075 with phenylalanine.
Molecular consequence: missense variant.
Genome position (GRCh38, 1-based): chr6:32,050,213, G>A on the plus strand (C>T on the coding strand, the complement: TNXB is on the minus strand). VCF-style: chr6-32050213-G-A. GRCh37 (hg19) VCF-style: chr6-32017990-G-A.
Other names: c.9965C>T, p.Ser3322Phe (NM_001428335.1); c.9218C>T, p.Ser3073Phe (NM_019105.8); short protein forms S3073F, S3075F, S3322F.
Identifiers: ClinVar variation 3227353 (VCV003227353.1), dbSNP rs375552647, ClinGen allele CA3733591.

ClinVar aggregate classification (germline): Uncertain significance (1 of 4 stars; one submission).

Conditions:
Cardiovascular phenotype. Identifiers: MedGen CN230736.

Allele frequency attached by ClinVar (database versions not stated): gnomAD exomes below 0.00001; TOPMed below 0.00001; ExAC 0.00002; ESP Exome Variant Server 0.00013.
gnomAD v4.1: 2 of 1,613,808 alleles (0.00012%); highest among the groups gnomAD compares: Non-Finnish European, 0.000085%; no homozygotes.

Submission:

Ambry Genetics
Classification: Uncertain significance for Cardiovascular phenotype. Last evaluated: 2023-11-21. Review status: criteria provided, single submitter. Criteria: Ambry Variant Classification Scheme 2023. Collection method: clinical testing. Allele origin: germline.
Comment: The p.S3073F variant (also known as c.9218C>T), located in coding exon 26 of the TNXB gene, results from a C to T substitution at nucleotide position 9218. The serine at codon 3073 is replaced by phenylalanine, an amino acid with highly dissimilar properties. This amino acid position is conserved. In addition, this alteration is predicted to be tolerated by in silico analysis. Since supporting evidence is limited at this time, the clinical significance of this alteration remains unclear.